The following is an entry in ClinVar:

NM_181552.4(CUX1):c.1755C>A (p.Ser585=)

Gene: CUX1 (cut like homeobox 1; plus strand). Cytogenetic location: 7q22.1.
Variant type: single nucleotide variant.
Coding change: c.1755C>A on transcript NM_181552.4 (MANE Select); coding-DNA position 1755, C replaced by A.
Protein change: p.Ser585=; no amino-acid change (serine 585 retained).
Molecular consequence: synonymous variant. On other transcripts: intron variant (5).
Genome position (GRCh38, 1-based): chr7:102,197,166, C>A. VCF-style: chr7-102197166-C-A. GRCh37 (hg19) VCF-style: chr7-101840446-C-A.
Other names: c.1788C>A, p.Ser596= (NM_001202543.2); c.1255+1563C>A (NM_001913.5); c.1249+1563C>A (NM_181500.4); c.1117+1563C>A (NM_001202545.3); c.1207+1563C>A (NM_001202544.3); c.1138+1563C>A (NM_001202546.3).
Identifiers: ClinVar variation 4874739 (VCV004874739.2).

ClinVar aggregate classification (germline): Likely benign (1 of 4 stars; one submission).

gnomAD v4.1: 23 of 1,614,212 alleles (0.0014%); highest among the groups gnomAD compares: Admixed American, 0.037%; no homozygotes.

Submission:

CeGaT Center for Human Genetics Tuebingen
Classification: Likely benign. Last evaluated: 2026-04-01. Review status: criteria provided, single submitter. Criteria: CeGaT Center For Human Genetics Tuebingen Variant Classification Criteria Version 2. Collection method: clinical testing. Allele origin: germline. Affected: yes. Observed: 1 variant allele.
Comment: CUX1: BP4, BP7